The following is an entry in ClinVar:

ClinVar aggregate classification (germline): Pathogenic (1 of 4 stars; one submission).

Conditions:
Granulomatous disease, chronic, autosomal recessive, cytochrome b-positive, type 2. Also called: CGD, AUTOSOMAL RECESSIVE CYTOCHROME b-POSITIVE, TYPE II; Chronic Granulomatous Disease, Autosomal Recessive, Cytochrome b-Positive, Type II; GRANULOMATOUS DISEASE, CHRONIC, DUE TO NCF2 DEFICIENCY; GRANULOMATOUS DISEASE, CHRONIC, AUTOSOMAL RECESSIVE, 2; Chronic granulomatous disease due to deficiency of NCF-2. Identifiers: Orphanet 379, MedGen C1856245, MONDO:0009310, OMIM 233710.

Submission:

Labcorp Genetics (formerly Invitae), Labcorp
Classification: Pathogenic for Granulomatous disease, chronic, autosomal recessive, cytochrome b-positive, type 2. Last evaluated: 2023-11-14. Review status: criteria provided, single submitter. Criteria: Invitae Variant Classification Sherloc (09022015). Collection method: clinical testing. Allele origin: unknown.
Comment: This variant results in the deletion of exons 1-13 and part of exon 14 (c.-27208_1339delins51) of the NCF2 gene. It is expected to result in an absent or disrupted protein product. Loss-of-function variants in NCF2 are known to be pathogenic (PMID: 10498624, 20167518). This variant has not been reported in the literature in individuals affected with NCF2-related conditions. For these reasons, this variant has been classified as Pathogenic.

Literature cited by the submitters: PubMed 10498624; PubMed 20167518.

NC_000001.10:g.(?_183529360)_(183586672_?)del

Gene: NCF2 (neutrophil cytosolic factor 2; minus strand). Cytogenetic location: 1q25.3.
Variant type: Deletion.
Identifiers: ClinVar variation 3247769 (VCV003247769.1).